The following is an entry in ClinVar:

NM_203447.4(DOCK8):c.1297G>A (p.Val433Met)

Gene: DOCK8 (dedicator of cytokinesis 8; plus strand). Cytogenetic location: 9p24.3.
Variant type: single nucleotide variant.
Coding change: c.1297G>A on transcript NM_203447.4 (MANE Select); coding-DNA position 1297, G replaced by A.
Protein change: p.Val433Met; replaces valine 433 with methionine.
Molecular consequence: missense variant.
Genome position (GRCh38, 1-based): chr9:336,593, G>A. VCF-style: chr9-336593-G-A. GRCh37 (hg19) VCF-style: chr9-336593-G-A.
Other names: c.1093G>A, p.Val365Met (NM_001190458.2, NM_001193536.2); short protein forms V365M, V433M.
Identifiers: ClinVar variation 4797943 (VCV004797943.1).

ClinVar aggregate classification (germline): Uncertain significance (1 of 4 stars; one submission).

Conditions:
Combined immunodeficiency due to DOCK8 deficiency (HIES2). Also called: HIES autosomal recessive; HYPER-IgE RECURRENT INFECTION SYNDROME 2, AUTOSOMAL RECESSIVE; Hyper-IgE recurrent infection syndrome, autosomal recessive; HYPER-IgE SYNDROME 2, AUTOSOMAL RECESSIVE, WITH RECURRENT INFECTIONS; DOCK8 Deficiency. Identifiers: Orphanet 217390, MedGen C4722305, MONDO:0009478, OMIM 243700.

gnomAD v4.1: 9 of 1,614,216 alleles (0.00056%); highest among the groups gnomAD compares: South Asian, 0.0011%; no homozygotes.

Submission:

Labcorp Genetics (formerly Invitae), Labcorp
Classification: Uncertain significance for Combined immunodeficiency due to DOCK8 deficiency. Last evaluated: 2025-04-08. Review status: criteria provided, single submitter. Criteria: Invitae Variant Classification Sherloc (09022015). Collection method: clinical testing. Allele origin: germline.
Comment: This sequence change replaces valine, which is neutral and non-polar, with methionine, which is neutral and non-polar, at codon 433 of the DOCK8 protein (p.Val433Met). This variant is present in population databases (no rsID available, gnomAD 0.0009%). This variant has not been reported in the literature in individuals affected with DOCK8-related conditions. Invitae Evidence Modeling of protein sequence and biophysical properties (such as structural, functional, and spatial information, amino acid conservation, physicochemical variation, residue mobility, and thermodynamic stability) indicates that this missense variant is not expected to disrupt DOCK8 protein function with a negative predictive value of 80%. In summary, the available evidence is currently insufficient to determine the role of this variant in disease. Therefore, it has been classified as a Variant of Uncertain Significance.